The following is an entry in ClinVar:

NM_201596.3(CACNB2):c.658C>T (p.Pro220Ser)

Gene: CACNB2 (calcium voltage-gated channel auxiliary subunit beta 2; plus strand). Cytogenetic location: 10p12.31.
Variant type: single nucleotide variant.
Coding change: c.658C>T on transcript NM_201596.3 (MANE Select); coding-DNA position 658, C replaced by T.
Protein change: p.Pro220Ser; replaces proline 220 with serine.
Molecular consequence: missense variant.
Genome position (GRCh38, 1-based): chr10:18,506,535, C>T. VCF-style: chr10-18506535-C-T. GRCh37 (hg19) VCF-style: chr10-18795464-C-T.
Other names: c.493C>T, p.Pro165Ser (NM_000724.4, NM_001330060.2); c.574C>T, p.Pro192Ser (NM_001167945.2, NM_201571.4, NM_201572.4); c.514C>T, p.Pro172Ser (NM_001410882.1, NM_201570.3); c.496C>T, p.Pro166Ser (NM_201590.3); c.658C>T, p.Pro220Ser (NM_201593.3, NM_201597.3); short protein forms P172S, P192S, P166S, P165S, P220S.
Identifiers: ClinVar variation 3826734 (VCV003826734.2).

ClinVar aggregate classification (germline): Uncertain significance. Review status: criteria provided, multiple submitters, no conflicts (2 of 4 stars). 2 submissions from 2 submitters: Uncertain significance (2). Last evaluated 2026-03-01.

Conditions:
CACNB2-related disorder. Also called: CACNB2-related condition.
Cardiovascular phenotype. Identifiers: MedGen CN230736.

gnomAD v4.1: 2 of 1,590,716 alleles (0.00013%); highest among the groups gnomAD compares: African/African-American, 0.0027%; no homozygotes.

Submissions (2):

PreventionGenetics, part of Exact Sciences
Classification: Uncertain significance for CACNB2-related condition. Last evaluated: 2026-03-01. Review status: criteria provided, single submitter. Criteria: ACMG Guidelines, 2015. Collection method: clinical testing. Allele origin: germline.
Comment: The CACNB2 c.496C>T variant is predicted to result in the amino acid substitution p.Pro166Ser. To our knowledge, this variant has not been reported in the literature. This variant is reported in 0.0062% of alleles in individuals of African descent in gnomAD. At this time, the clinical significance of this variant is uncertain due to the absence of conclusive functional and genetic evidence.

Ambry Genetics
Classification: Uncertain significance for Cardiovascular phenotype. Last evaluated: 2025-01-13. Review status: criteria provided, single submitter. Criteria: Ambry Variant Classification Scheme 2023. Collection method: clinical testing. Allele origin: germline.
Comment: The p.P166S variant (also known as c.496C>T), located in coding exon 5 of the CACNB2 gene, results from a C to T substitution at nucleotide position 496. The proline at codon 166 is replaced by serine, an amino acid with similar properties. This amino acid position is conserved. In addition, the in silico prediction for this alteration is inconclusive. Based on the available evidence, the clinical significance of this variant remains unclear.